The following is an entry in ClinVar:

NM_000574.5(CD55):c.508C>T (p.Arg170Ter)

Gene: CD55 (CD55 molecule (Cromer blood group); plus strand). Cytogenetic location: 1q32.2.
Variant type: single nucleotide variant.
Coding change: c.508C>T on transcript NM_000574.5 (MANE Select); coding-DNA position 508, C replaced by T.
Protein change: p.Arg170Ter; replaces arginine 170 with a stop codon.
Molecular consequence: nonsense. On other transcripts: non-coding transcript variant (1).
Genome position (GRCh38, 1-based): chr1:207,325,651, C>T. VCF-style: chr1-207325651-C-T. GRCh37 (hg19) VCF-style: chr1-207498996-C-T.
Other names: c.508C>T, p.Arg170Ter (NM_001114752.3, NM_001300902.2, NM_001300903.2 and 1 more transcripts); short protein forms R170*.
Identifiers: ClinVar variation 1457858 (VCV001457858.6), dbSNP rs762195469, ClinGen allele CA1368020.

ClinVar aggregate classification (germline): Pathogenic (1 of 4 stars; one submission).

Allele frequency attached by ClinVar (database versions not stated): TOPMed below 0.00001; gnomAD 0.00001 and 0.00002; ExAC 0.00002; gnomAD exomes 0.00002.
gnomAD v4.1: 24 of 1,608,596 alleles (0.0015%); highest among the groups gnomAD compares: South Asian, 0.012%; no homozygotes.

Submission:

Labcorp Genetics (formerly Invitae), Labcorp
Classification: Pathogenic. Last evaluated: 2024-11-05. Review status: criteria provided, single submitter. Criteria: Invitae Variant Classification Sherloc (09022015). Collection method: clinical testing. Allele origin: germline.
Comment: This sequence change creates a premature translational stop signal (p.Arg170*) in the CD55 gene. It is expected to result in an absent or disrupted protein product. Loss-of-function variants in CD55 are known to be pathogenic (PMID: 28657829, 28657861). This variant is present in population databases (rs762195469, gnomAD 0.009%). This premature translational stop signal has been observed in individual(s) with clinical features of CD55-related conditions (PMID: 15954804). ClinVar contains an entry for this variant (Variation ID: 1457858). For these reasons, this variant has been classified as Pathogenic.

Literature cited by the submitters: PubMed 28657829; PubMed 28657861; PubMed 15954804.